The following is an entry in ClinVar:

ClinVar aggregate classification (germline): Likely benign. Review status: criteria provided, multiple submitters, no conflicts (2 of 4 stars). 2 submissions from 2 submitters: Likely benign (2). Last evaluated 2026-01-19.

Conditions:
LCA5-related disorder. Also called: LCA5-related condition.

Allele frequency attached by ClinVar (database versions not stated): gnomAD exomes below 0.00001; gnomAD 0.00001; TOPMed 0.00002.

Submissions (2):

Labcorp Genetics (formerly Invitae), Labcorp
Classification: Likely benign. Last evaluated: 2026-01-19. Review status: criteria provided, single submitter. Criteria: Invitae Variant Classification Sherloc (09022015). Collection method: clinical testing. Allele origin: germline.

PreventionGenetics, part of Exact Sciences
Classification: Likely benign for LCA5-related condition. Last evaluated: 2025-10-19. Review status: criteria provided, single submitter. Criteria: ACMG Guidelines, 2015. Collection method: clinical testing. Allele origin: germline.
Comment: This variant is classified as likely benign based on ACMG/AMP sequence variant interpretation guidelines (Richards et al. 2015 PMID: 25741868, with internal and published modifications).

NM_001122769.3(LCA5):c.721-17T>C

Gene: LCA5 (lebercilin LCA5; minus strand). Cytogenetic location: 6q14.1.
Variant type: single nucleotide variant.
Coding change: c.721-17T>C on transcript NM_001122769.3 (MANE Select); 17 bases into the intron before coding-DNA position 721, T replaced by C.
Molecular consequence: intron variant.
Genome position (GRCh38, 1-based): chr6:79,493,767, A>G on the plus strand (T>C on the coding strand, the complement: LCA5 is on the minus strand). VCF-style: chr6-79493767-A-G. GRCh37 (hg19) VCF-style: chr6-80203484-A-G.
Other names: c.721-17T>C (NM_181714.4, NM_181714.3).
Identifiers: ClinVar variation 1089400 (VCV001089400.10), dbSNP rs1277894143, ClinGen allele CA568280078.
Genomic context (GRCh38, chr6:79,493,767, plus strand): 5'-CGTTGGAAACTGTTAGTACTCAGTTCAAGGTTTTTCGATAGCTCCTATATGTATAAATAC[A>G]TAAAAAGCAGTCCTTTAAAAAAATTCCAACAATGAAACATAACACATGGCAGTGTCAAAA-3'